The following is an entry in ClinVar:

ClinVar aggregate classification (germline): Uncertain significance. Review status: criteria provided, multiple submitters, no conflicts (2 of 4 stars). 2 submissions from 2 submitters: Uncertain significance (2). Last evaluated 2025-04-24.

Conditions:
Arrhythmogenic right ventricular cardiomyopathy (ARVD). Also called: Arrhythmogenic cardiomyopathy; Cardiomyopathy, ARVC; Arrhythmogenic right ventricular dysplasia; Arrhythmogenic Right Ventricular Cardiomyopathy (ARVC). Identifiers: Orphanet 247, MedGen C0349788, MeSH D019571, MONDO:0016587. Disease mechanism: loss of function. Inheritance: Various modes of inheritance.
Arrhythmogenic right ventricular dysplasia 9 (ARVD9). Also called: Arrhythmogenic Right Ventricular Dysplasia/Cardiomyopathy 9; ARRHYTHMOGENIC RIGHT VENTRICULAR DYSPLASIA, FAMILIAL, 9. Identifiers: MedGen C1836906, MONDO:0012180, OMIM 609040.

Submissions (2):

Labcorp Genetics (formerly Invitae), Labcorp
Classification: Uncertain significance for Arrhythmogenic right ventricular dysplasia 9. Last evaluated: 2025-04-24. Review status: criteria provided, single submitter. Criteria: Invitae Variant Classification Sherloc (09022015). Collection method: clinical testing. Allele origin: germline.
Comment: This sequence change replaces valine, which is neutral and non-polar, with aspartic acid, which is acidic and polar, at codon 725 of the PKP2 protein (p.Val725Asp). This variant is not present in population databases (gnomAD no frequency). This missense change has been observed in individual(s) with arrhythmogenic right ventricular cardiomyopathy (PMID: 20857253). ClinVar contains an entry for this variant (Variation ID: 938275). An algorithm developed to predict the effect of missense changes on protein structure and function (PolyPhen-2) suggests that this variant is likely to be disruptive. In summary, the available evidence is currently insufficient to determine the role of this variant in disease. Therefore, it has been classified as a Variant of Uncertain Significance.

All of Us Research Program, National Institutes of Health
Classification: Uncertain significance for Arrhythmogenic right ventricular cardiomyopathy. Last evaluated: 2024-08-06. Review status: criteria provided, single submitter. Criteria: ACMG Guidelines, 2015. Collection method: clinical testing. Allele origin: germline. Inheritance: Autosomal dominant inheritance. Observed: 1 variant allele, 1 heterozygote.
Comment: This study involves interpretation of variants in research participants for the purpose of population health screening. Participant phenotype was not available at the time of variant classification. Additional details can be found in publication PMID: 35346344, PMCID: PMC8962531

Literature cited by the submitters: PubMed 20857253 (cited by Labcorp Genetics (formerly Invitae), Labcorp).

NM_001005242.3(PKP2):c.2042T>A (p.Val681Asp)

Gene: PKP2 (plakophilin 2; minus strand). Cytogenetic location: 12p11.21.
Variant type: single nucleotide variant.
Coding change: c.2042T>A on transcript NM_001005242.3 (MANE Select); coding-DNA position 2042, T replaced by A.
Protein change: p.Val681Asp; replaces valine 681 with aspartic acid.
Molecular consequence: missense variant.
Genome position (GRCh38, 1-based): chr12:32,802,528, A>T on the plus strand (T>A on the coding strand, the complement: PKP2 is on the minus strand). VCF-style: chr12-32802528-A-T. GRCh37 (hg19) VCF-style: chr12-32955462-A-T.
Other names: c.2174T>A, p.Val725Asp (NM_004572.4); short protein forms V725D, V681D.
Identifiers: ClinVar variation 938275 (VCV000938275.10), dbSNP rs1227501219, ClinGen allele CA384360030.
Genomic context (GRCh38, chr12:32,802,528, plus strand): 5'-ACACTTGGGTCACCAACATGCAGCATCTTTCGGGTGTGCTGCAGGCCACTTTCCTTCTGG[A>T]CAACTGTCTGAGCCACTGATGTCGGCATCTGTTTTGTGAGACATATCCTATAAGTGCTAT-3'
Protein context (NP_001005242.2, residues 671-691): PMPTSVAQTV[Val681Asp]QKESGLQHTR